The following is an entry in ClinVar:

ClinVar aggregate classification (germline): Uncertain significance (1 of 4 stars; one submission).

Conditions:
Weiss-Kruszka syndrome. Also called: Metopic ridging-ptosis-facial dysmorphism syndrome. Identifiers: Orphanet 502430, MedGen C5568107, MONDO:0032836, OMIM 618619.

Submission:

MGZ Medical Genetics Center
Classification: Uncertain significance for Weiss-Kruszka syndrome. Last evaluated: 2022-03-17. Review status: criteria provided, single submitter. Criteria: ACMG Guidelines, 2015. Collection method: clinical testing. Allele origin: germline. Affected: yes. Observed: 1 variant allele.
Comment: ACMG criteria applied: PM2_SUP

NM_021224.6(ZNF462):c.3292_3293insGGCCCCCCCCCCCCCCCCC (p.Ser1098fs)

Gene: ZNF462 (zinc finger protein 462; plus strand). Cytogenetic location: 9q31.2.
Variant type: Insertion.
Coding change: c.3292_3293insGGCCCCCCCCCCCCCCCCC on transcript NM_021224.6 (MANE Select); coding-DNA positions 3292 to 3293, GGCCCCCCCCCCCCCCCCC inserted.
Protein change: p.Ser1098fs; shifts the reading frame from serine 1098.
Molecular consequence: frameshift variant. On other transcripts: intron variant (1).
Genome position: GRCh38 VCF-style: chr9-106927204-T-TGGCCCCCCCCCCCCCCCCC. GRCh37 (hg19) VCF-style: chr9-109689485-T-TGGCCCCCCCCCCCCCCCCC.
Other names: c.3252+40_3252+41insGGCCCCCCCCCCCCCCCCC (NM_001347997.2); short protein forms S1098fs.
Identifiers: ClinVar variation 1709161 (VCV001709161.2), dbSNP rs1830229826, ClinGen allele CA2514975177.